The following is an entry in ClinVar:

NM_000077.5(CDKN2A):c.166A>G (p.Ser56Gly)

Gene: CDKN2A (cyclin dependent kinase inhibitor 2A; minus strand). Cytogenetic location: 9p21.3.
Variant type: single nucleotide variant.
Coding change: c.166A>G on transcript NM_000077.5; coding-DNA position 166, A replaced by G.
Protein change: p.Ser56Gly; replaces serine 56 with glycine.
Molecular consequence: missense variant (on NM_000077.6). On other transcripts: 3 prime UTR variant (1).
Genome position (GRCh38, 1-based): chr9:21,971,193, T>C on the plus strand (A>G on the coding strand, the complement: CDKN2A is on the minus strand). VCF-style: chr9-21971193-T-C. GRCh37 (hg19) VCF-style: chr9-21971192-T-C.
Other names: c.166A>G, p.Ser56Gly (NM_000077.6, NM_001195132.2); c.13A>G, p.Ser5Gly (NM_001363763.2); c.209A>G, p.Gln70Arg (NM_058195.4); c.*89A>G (NM_058197.5); short protein forms S5G, S56G, Q70R.
Identifiers: ClinVar variation 2563910 (VCV002563910.3), dbSNP rs2489277053, ClinGen allele CA373086425.

ClinVar aggregate classification (germline): Uncertain significance (1 of 4 stars; one submission).

Conditions:
Hereditary cancer-predisposing syndrome. Also called: Tumor predisposition; Neoplastic Syndromes, Hereditary; Hereditary Cancer Syndrome; Hereditary neoplastic syndrome. Identifiers: Orphanet 140162, MedGen C0027672, MeSH D009386, MONDO:0015356.

Submission:

Ambry Genetics
Classification: Uncertain significance for Hereditary cancer-predisposing syndrome. Last evaluated: 2025-11-05. Review status: criteria provided, single submitter. Criteria: Ambry Variant Classification Scheme 2023. Collection method: clinical testing. Allele origin: germline.
Comment: The p.S56G variant (also known as c.166A>G), located in coding exon 2 of the CDKN2A gene, results from an A to G substitution at nucleotide position 166. The serine at codon 56 is replaced by glycine, an amino acid with similar properties. This amino acid position is not well conserved in available vertebrate species. In addition, the in silico prediction for this alteration is inconclusive. Based on the available evidence, the clinical significance of this variant remains unclear.